The following is an entry in ClinVar:

ClinVar aggregate classification (germline): Conflicting classifications of pathogenicity. Review status: criteria provided, conflicting classifications (1 of 4 stars). 6 submissions from 6 submitters: Uncertain significance (1); Benign (2). 3 of the submissions do not count toward it. Last evaluated 2025-11-13.

Conditions:
SQSTM1-related disorder. Also called: SQSTM1-Related Disorders.
Frontotemporal dementia and/or amyotrophic lateral sclerosis 1 (FTDALS1). Also called: Frontotemporal dementia with motor neuron disease 1; C9orf72 Frontotemporal Dementia and/or Amyotrophic Lateral Sclerosis. Identifiers: Orphanet 275872, MedGen C5779877, MONDO:0007105, OMIM 105550.
Paget disease of bone 2, early-onset (PDB2). Also called: Paget disease of bone 2. Identifiers: MedGen C4085251, MONDO:0011183, OMIM 602080.
Paget disease of bone 3. Identifiers: MedGen C4085252, MONDO:0008176, OMIM 167250.

Allele frequency attached by ClinVar (database versions not stated): gnomAD exomes 0.00019 and 0.00049; gnomAD 0.00202 and 0.00222; ESP Exome Variant Server 0.00223; TOPMed 0.00233; ExAC 0.00063; 1000 Genomes Project 0.00140; 1000 Genomes Project 30x 0.00141.
gnomAD v4.1: 589 of 1,614,078 alleles (0.036%); highest among the groups gnomAD compares: African/African-American, 0.71%; 5 homozygotes.

Submissions (6):

Labcorp Genetics (formerly Invitae), Labcorp
Classification: Benign for Paget disease of bone 2, early-onset; Frontotemporal dementia and/or amyotrophic lateral sclerosis 1. Last evaluated: 2025-11-13. Review status: criteria provided, single submitter. Criteria: Invitae Variant Classification Sherloc (09022015). Collection method: clinical testing. Allele origin: germline.

Illumina Laboratory Services, Illumina
Classification: Uncertain significance for Paget disease of bone 3. Last evaluated: 2017-04-28. Review status: criteria provided, single submitter. Criteria: ICSL Variant Classification Criteria 13 December 2019. Collection method: clinical testing. Allele origin: germline.
Comment: This variant was observed as part of a predisposition screen in an ostensibly healthy population. A literature search was performed for the gene, cDNA change, and amino acid change (where applicable). Publications were found based on this search. However, the evidence from the literature, in combination with allele frequency data from public databases where available, was not sufficient to rule this variant in or out of causing disease. Therefore, this variant is classified as a variant of unknown significance.

Athena Diagnostics
Classification: Benign. Last evaluated: 2017-04-27. Review status: criteria provided, single submitter. Criteria: Athena Diagnostics Criteria. Collection method: clinical testing. Allele origin: germline.

PreventionGenetics, part of Exact Sciences
Classification: Likely benign for SQSTM1-related condition. Last evaluated: 2022-12-23. Review status: no assertion criteria provided. Collection method: clinical testing. Allele origin: germline. Not counted in ClinVar's aggregate classification.
Comment: This variant is classified as likely benign based on ACMG/AMP sequence variant interpretation guidelines (Richards et al. 2015 PMID: 25741868, with internal and published modifications).

Clinical Genetics DNA and cytogenetics Diagnostics Lab, Erasmus MC, Erasmus Medical Center
Classification: Likely benign. Review status: no assertion criteria provided. Collection method: clinical testing. Allele origin: germline. Affected: yes. Study: VKGL Data-share Consensus. Not counted in ClinVar's aggregate classification.

Genome Diagnostics Laboratory, Amsterdam University Medical Center
Classification: Likely benign. Review status: no assertion criteria provided. Collection method: clinical testing. Allele origin: germline. Affected: yes. Study: VKGL Data-share Consensus. Not counted in ClinVar's aggregate classification.

Literature cited by the submitters: PubMed 22084127 (cited by Illumina Laboratory Services, Illumina and Athena Diagnostics); PubMed 23820649 (cited by Illumina Laboratory Services, Illumina); PubMed 23447461 (cited by Athena Diagnostics).

NM_003900.5(SQSTM1):c.1108T>C (p.Ser370Pro)

Gene: SQSTM1 (sequestosome 1; plus strand). Cytogenetic location: 5q35.3.
Variant type: single nucleotide variant.
Coding change: c.1108T>C on transcript NM_003900.5 (MANE Select); coding-DNA position 1108, T replaced by C.
Protein change: p.Ser370Pro; replaces serine 370 with proline.
Molecular consequence: missense variant.
Genome position (GRCh38, 1-based): chr5:179,833,725, T>C. VCF-style: chr5-179833725-T-C. GRCh37 (hg19) VCF-style: chr5-179260725-T-C.
Other names: c.856T>C, p.Ser286Pro (NM_001142298.2, NM_001142299.2); short protein forms S286P, S370P.
Identifiers: ClinVar variation 448529 (VCV000448529.19), dbSNP rs143956614, ClinGen allele CA3600800.